The following is an entry in ClinVar:

ClinVar aggregate classification (germline): Uncertain significance (1 of 4 stars; one submission).

Allele frequency attached by ClinVar (database versions not stated): gnomAD 0.00001; TOPMed 0.00001.

Submission:

GeneDx
Classification: Uncertain significance. Last evaluated: 2020-03-24. Review status: criteria provided, single submitter. Criteria: GeneDx Variant Classification Process June 2021. Collection method: clinical testing. Allele origin: germline. Affected: yes.
Comment: Has not been previously published as pathogenic or benign to our knowledge; In silico analysis, which includes protein predictors and evolutionary conservation, supports that this variant does not alter protein structure/function; Not observed at a significant frequency in large population cohorts (Lek et al., 2016); This variant is associated with the following publications: (PMID: 31727138)

NM_016204.4(GDF2):c.1063G>C (p.Glu355Gln)

Gene: GDF2 (growth differentiation factor 2; plus strand). Cytogenetic location: 10q11.22.
Variant type: single nucleotide variant.
Coding change: c.1063G>C on transcript NM_016204.4 (MANE Select); coding-DNA position 1063, G replaced by C.
Protein change: p.Glu355Gln; replaces glutamic acid 355 with glutamine.
Molecular consequence: missense variant.
Genome position (GRCh38, 1-based): chr10:47,325,557, G>C. VCF-style: chr10-47325557-G-C. GRCh37 (hg19) VCF-style: chr10-48413805-C-G.
Other names: short protein forms E355Q.
Identifiers: ClinVar variation 1187278 (VCV001187278.2), dbSNP rs1200646207, ClinGen allele CA376657707.